The following is an entry in ClinVar:

ClinVar aggregate classification (germline): Uncertain significance (1 of 4 stars; one submission).

Conditions:
Hereditary breast ovarian cancer syndrome. Also called: Hereditary breast and ovarian cancer syndrome; Hereditary breast and ovarian cancer syndrome (HBOC); Breast and ovarian cancer; Hereditary breast and/or ovarian cancer syndrome; Hereditary breast and ovarian cancer; BRCA1- and BRCA2-Associated Hereditary Breast and Ovarian Cancer. Identifiers: Orphanet 145, MedGen C0677776, MeSH D061325, MONDO:0003582. Disease mechanism: loss of function.

Submission:

Labcorp Genetics (formerly Invitae), Labcorp
Classification: Uncertain significance for Hereditary breast ovarian cancer syndrome. Last evaluated: 2023-10-13. Review status: criteria provided, single submitter. Criteria: Invitae Variant Classification Sherloc (09022015). Collection method: clinical testing. Allele origin: germline.
Comment: This sequence change replaces valine, which is neutral and non-polar, with alanine, which is neutral and non-polar, at codon 1531 of the BRCA1 protein (p.Val1531Ala). This variant is not present in population databases (gnomAD no frequency). This variant has not been reported in the literature in individuals affected with BRCA1-related conditions. ClinVar contains an entry for this variant (Variation ID: 1715651). Advanced modeling of protein sequence and biophysical properties (such as structural, functional, and spatial information, amino acid conservation, physicochemical variation, residue mobility, and thermodynamic stability) performed at Invitae indicates that this missense variant is not expected to disrupt BRCA1 protein function. In summary, the available evidence is currently insufficient to determine the role of this variant in disease. Therefore, it has been classified as a Variant of Uncertain Significance.

NM_007294.4(BRCA1):c.4592T>C (p.Val1531Ala)

Gene: BRCA1 (BRCA1 DNA repair associated; minus strand). Cytogenetic location: 17q21.31.
Variant type: single nucleotide variant.
Coding change: c.4592T>C on transcript NM_007294.4 (MANE Select); coding-DNA position 4592, T replaced by C.
Protein change: p.Val1531Ala; replaces valine 1531 with alanine.
Molecular consequence: missense variant. On other transcripts: non-coding transcript variant (1).
Genome position (GRCh38, 1-based): chr17:43,074,414, A>G on the plus strand (T>C on the coding strand, the complement: BRCA1 is on the minus strand). VCF-style: chr17-43074414-A-G. GRCh37 (hg19) VCF-style: chr17-41226431-A-G.
Other names: c.4379T>C, p.Val1460Ala (NM_001407571.1, NM_001407894.1, NM_001407895.1 and 12 more transcripts); c.4658T>C, p.Val1553Ala (NM_001407581.1, NM_001407582.1); c.4655T>C, p.Val1552Ala (NM_001407583.1, NM_001407585.1, NM_001407587.1 and 1 more transcripts); c.4592T>C, p.Val1531Ala (NM_001407593.1, NM_001407594.1, NM_001407596.1 and 8 more transcripts); c.4652T>C, p.Val1551Ala (NM_001407590.1, NM_001407591.1); c.4589T>C, p.Val1530Ala (NM_001407610.1, NM_001407611.1, NM_001407612.1 and 17 more transcripts); c.4586T>C, p.Val1529Ala (NM_001407627.1, NM_001407628.1, NM_001407629.1 and 14 more transcripts); c.4583T>C, p.Val1528Ala (NM_001407644.1, NM_001407645.1); and 68 more; short protein forms V1234A, V1235A, V1362A, V1402A, V1403A, V1404A, V1418A, V1419A.
Identifiers: ClinVar variation 1715651 (VCV001715651.6), dbSNP rs2154005362, ClinGen allele CA10592328.